The following is an entry in ClinVar:

NM_000222.3(KIT):c.2156A>G (p.Asn719Ser)

Gene: KIT (KIT proto-oncogene, receptor tyrosine kinase; plus strand). Cytogenetic location: 4q12.
Variant type: single nucleotide variant.
Coding change: c.2156A>G on transcript NM_000222.3 (MANE Select); coding-DNA position 2156, A replaced by G.
Protein change: p.Asn719Ser; replaces asparagine 719 with serine.
Molecular consequence: missense variant.
Genome position (GRCh38, 1-based): chr4:54,731,342, A>G. VCF-style: chr4-54731342-A-G. GRCh37 (hg19) VCF-style: chr4-55597508-A-G.
Other names: c.2144A>G, p.Asn715Ser (NM_001093772.2, NM_001385292.1); c.2159A>G, p.Asn720Ser (NM_001385284.1); c.2153A>G, p.Asn718Ser (NM_001385285.1); c.2141A>G, p.Asn714Ser (NM_001385286.1); c.2147A>G, p.Asn716Ser (NM_001385288.1); c.2156A>G, p.Asn719Ser (NM_001385290.1); short protein forms N714S, N715S, N716S, N718S, N719S, N720S.
Identifiers: ClinVar variation 3230668 (VCV003230668.1), dbSNP rs2109792236, ClinGen allele CA356910124.

ClinVar aggregate classification (germline): Uncertain significance (1 of 4 stars; one submission).

Conditions:
Hereditary cancer-predisposing syndrome. Also called: Neoplastic Syndromes, Hereditary; Tumor predisposition; Hereditary neoplastic syndrome; Hereditary Cancer Syndrome. Identifiers: Orphanet 140162, MedGen C0027672, MeSH D009386, MONDO:0015356.

Submission:

Ambry Genetics
Classification: Uncertain significance for Hereditary cancer-predisposing syndrome. Last evaluated: 2023-10-26. Review status: criteria provided, single submitter. Criteria: Ambry Variant Classification Scheme 2023. Collection method: clinical testing. Allele origin: germline.
Comment: The p.N719S variant (also known as c.2156A>G), located in coding exon 15 of the KIT gene, results from an A to G substitution at nucleotide position 2156. The asparagine at codon 719 is replaced by serine, an amino acid with highly similar properties. This amino acid position is conserved. In addition, this alteration is predicted to be tolerated by in silico analysis. Since supporting evidence is limited at this time, the clinical significance of this alteration remains unclear.